The following is an entry in ClinVar:

ClinVar aggregate classification (germline): Conflicting classifications of pathogenicity. Review status: criteria provided, conflicting classifications (1 of 4 stars). 5 submissions from 5 submitters: Uncertain significance (4); Likely benign (1). Last evaluated 2025-09-15.

Conditions:
Combined oxidative phosphorylation defect type 27. Also called: Combined oxidative phosphorylation deficiency 27. Identifiers: Orphanet 477774, MedGen C5567608, MONDO:0014728, OMIM 616672.

Allele frequency attached by ClinVar (database versions not stated): gnomAD exomes 0.00044; ExAC 0.00050; TOPMed 0.00012; gnomAD 0.00013.
gnomAD v4.1: 414 of 1,609,778 alleles (0.026%); highest among the groups gnomAD compares: Middle Eastern, 0.5%; 2 homozygotes.

Submissions (5):

Labcorp Genetics (formerly Invitae), Labcorp
Classification: Likely benign for Combined oxidative phosphorylation defect type 27. Last evaluated: 2025-09-15. Review status: criteria provided, single submitter. Criteria: Invitae Variant Classification Sherloc (09022015). Collection method: clinical testing. Allele origin: germline.

ARUP Laboratories, Molecular Genetics and Genomics, ARUP Laboratories
Classification: Uncertain significance for Combined oxidative phosphorylation defect type 27. Last evaluated: 2025-04-10. Review status: criteria provided, single submitter. Criteria: ARUP Molecular Germline Variant Investigation Process 2024. Collection method: clinical testing. Allele origin: germline.
Comment: The CARS2 c.1448T>G; p.Leu483Trp variant (rs766266851), to our knowledge, is not reported in the medical literature but is reported in ClinVar (Variation ID: 770085). This variant is found in the general population with an overall allele frequency of 0.0397% (108/272182 alleles) in the Genome Aggregation Database (v2.1.1). Computational analyses are uncertain whether this variant is neutral or deleterious (REVEL: 0.317). Due to limited information, the clinical significance of this variant is uncertain at this time.

Women's Health and Genetics/Laboratory Corporation of America, LabCorp
Classification: Uncertain significance. Last evaluated: 2025-03-06. Review status: criteria provided, single submitter. Criteria: LabCorp Variant Classification Summary - May 2015. Collection method: clinical testing. Allele origin: germline.
Comment: Variant summary: CARS2 c.1448T>G (p.Leu483Trp) results in a non-conservative amino acid change in the encoded protein sequence. Three of five in-silico tools predict a damaging effect of the variant on protein function. The variant allele was found at a frequency of 0.00044 in 240792 control chromosomes. This frequency is not significantly higher than estimated for a pathogenic variant in CARS2 causing Combined Oxidative Phosphorylation Defect Type 27, allowing no conclusion about variant significance. c.1448T>G has been reported in the literature in the homozygous state in an individual with acrocallosal syndrome in whom a homozygous KIF7 variant was believed to be causative of their phenotype and in the homozygous state in an individual with with mild dysmorphism, hypotonia, and developmental delay in whom the phenotype was believed to be due to a homozygous variant in the MRPS22 gene (example: Kl_2017, Walsh_2013). These report(s) do not provide unequivocal conclusions about association of the variant with Combined Oxidative Phosphorylation Defect Type 27. To our knowledge, no experimental evidence demonstrating an impact on protein function has been reported. The following publications have been ascertained in the context of this evaluation (PMID: 28752220, 23142271). ClinVar contains an entry for this variant (Variation ID: 770085). Based on the evidence outlined above, the variant was classified as uncertain significance.

GeneDx
Classification: Uncertain significance. Last evaluated: 2024-12-20. Review status: criteria provided, single submitter. Criteria: GeneDx Variant Classification Process June 2021. Collection method: clinical testing. Allele origin: germline. Affected: yes.
Comment: Identified in the homozygous state by exome sequencing in an individual with acrocallosal syndrome who had an alternate molecular basis for disease (PMID: 23142271); In silico analysis supports that this missense variant has a deleterious effect on protein structure/function; This variant is associated with the following publications: (PMID: 28752220, 23142271)

Baylor Genetics
Classification: Uncertain significance for Combined oxidative phosphorylation defect type 27. Last evaluated: 2020-01-17. Review status: criteria provided, single submitter. Criteria: ACMG Guidelines, 2015. Collection method: clinical testing. Allele origin: unknown. Affected: yes.
Comment: This variant was determined to be of uncertain significance according to ACMG Guidelines, 2015 [PMID:25741868].

Literature cited by the submitters: PubMed 23142271 (cited by Women's Health and Genetics/Laboratory Corporation of America, LabCorp); PubMed 28752220 (cited by Women's Health and Genetics/Laboratory Corporation of America, LabCorp).

NM_024537.4(CARS2):c.1448T>G (p.Leu483Trp)

Gene: CARS2 (cysteinyl-tRNA synthetase 2, mitochondrial; minus strand). Cytogenetic location: 13q34.
Variant type: single nucleotide variant.
Coding change: c.1448T>G on transcript NM_024537.4 (MANE Select); coding-DNA position 1448, T replaced by G.
Protein change: p.Leu483Trp; replaces leucine 483 with tryptophan.
Molecular consequence: missense variant. On other transcripts: non-coding transcript variant (2).
Genome position (GRCh38, 1-based): chr13:110,642,490, A>C on the plus strand (T>G on the coding strand, the complement: CARS2 is on the minus strand). VCF-style: chr13-110642490-A-C. GRCh37 (hg19) VCF-style: chr13-111294837-A-C.
Other names: c.662T>G, p.Leu221Trp (NM_001352252.2); short protein forms L483W, L221W.
Identifiers: ClinVar variation 770085 (VCV000770085.18), dbSNP rs766266851, ClinGen allele CA7051650.
Genomic context (GRCh38, chr13:110,642,490, plus strand): 5'-GCCAGCGCAAACTGCCGGACCTTCTGCCGGAACCGCACCAGCTCGTCCACCACACCATGC[A>C]AGGTAGCCTCGCTGCCGTCTCCTGAAACGTACTGAAGCCAGCAGGGCGCGGTTACGTCCC-3'
Protein context (NP_078813.1, residues 473-493): YVSGDGSEAT[Leu483Trp]HGVVDELVRF